The following is an entry in ClinVar:

NM_001291303.3(FAT4):c.1014G>T (p.Glu338Asp)

Gene: FAT4 (FAT atypical cadherin 4; plus strand). Cytogenetic location: 4q28.1.
Variant type: single nucleotide variant.
Coding change: c.1014G>T on transcript NM_001291303.3 (MANE Select); coding-DNA position 1014, G replaced by T.
Protein change: p.Glu338Asp; replaces glutamic acid 338 with aspartic acid.
Molecular consequence: missense variant.
Genome position (GRCh38, 1-based): chr4:125,317,425, G>T. VCF-style: chr4-125317425-G-T. GRCh37 (hg19) VCF-style: chr4-126238580-G-T.
Other names: c.1014G>T, p.Glu338Asp (NM_001291285.3, NM_024582.6); short protein forms E338D.
Identifiers: ClinVar variation 1962598 (VCV001962598.5), dbSNP rs2530424833, ClinGen allele CA358117012.
Genomic context (GRCh38, chr4:125,317,425, plus strand): 5'-ATACTCGCTTACGGTGCAGGCGATGGACAGAGGCGTGCCTTCCCTCACTGGGCGCGCCGA[G>T]GCGCTGATTCAGCTGCTGGACGTGAATGACAATGACCCGGTAGTGAAGTTCCGCTACTTC-3'
Protein context (NP_001278232.1, residues 328-348): RGVPSLTGRA[Glu338Asp]ALIQLLDVND

ClinVar aggregate classification (germline): Uncertain significance (1 of 4 stars; one submission).

Submission:

Labcorp Genetics (formerly Invitae), Labcorp
Classification: Uncertain significance. Last evaluated: 2022-06-14. Review status: criteria provided, single submitter. Criteria: Invitae Variant Classification Sherloc (09022015). Collection method: clinical testing. Allele origin: germline.
Comment: This variant has not been reported in the literature in individuals affected with FAT4-related conditions. In summary, the available evidence is currently insufficient to determine the role of this variant in disease. Therefore, it has been classified as a Variant of Uncertain Significance. Advanced modeling of protein sequence and biophysical properties (such as structural, functional, and spatial information, amino acid conservation, physicochemical variation, residue mobility, and thermodynamic stability) performed at Invitae indicates that this missense variant is not expected to disrupt FAT4 protein function. This variant is not present in population databases (gnomAD no frequency). This sequence change replaces glutamic acid, which is acidic and polar, with aspartic acid, which is acidic and polar, at codon 338 of the FAT4 protein (p.Glu338Asp).